The following is an entry in ClinVar:

ClinVar aggregate classification (germline): Uncertain significance (1 of 4 stars; one submission).

Conditions:
Cardiomyopathy (CMYO). Also called: Cardiomyopathies. Identifiers: Orphanet 167848, MedGen C0878544, MONDO:0004994, HP:0001638. Inheritance: Various modes of inheritance.

Submission:

Color Diagnostics, LLC DBA Color Health
Classification: Uncertain significance for Cardiomyopathy. Last evaluated: 2023-12-04. Review status: criteria provided, single submitter. Criteria: ACMG Guidelines, 2015. Collection method: clinical testing. Allele origin: germline.
Comment: Variant of Uncertain Significance due to insufficient evidence: This missense variant replaces histidine with tyrosine at codon 642 of the DSP protein. Computational prediction tools and conservation analyses are inconclusive regarding the impact of this variant on the protein function. Computational splicing tools suggest that this variant may not impact RNA splicing. To our knowledge, functional assays have not been performed for this variant nor has this variant been reported in individuals affected with cardiovascular disorders in the literature. This variant is rare in the general population and has been identified in 0/277264 chromosomes by the Genome Aggregation Database (gnomAD). Available evidence is insufficient to determine the role of this variant in disease conclusively.

NM_004415.4(DSP):c.1924C>T (p.His642Tyr)

Gene: DSP (desmoplakin; plus strand). Cytogenetic location: 6p24.3.
Variant type: single nucleotide variant.
Coding change: c.1924C>T on transcript NM_004415.4 (MANE Select); coding-DNA position 1924, C replaced by T.
Protein change: p.His642Tyr; replaces histidine 642 with tyrosine.
Molecular consequence: missense variant.
Genome position (GRCh38, 1-based): chr6:7,571,862, C>T. VCF-style: chr6-7571862-C-T. GRCh37 (hg19) VCF-style: chr6-7572095-C-T.
Other names: c.1924C>T, p.His642Tyr (NM_001008844.3, NM_001319034.2); short protein forms H642Y.
Identifiers: ClinVar variation 927185 (VCV000927185.5), dbSNP rs1759063948, ClinGen allele CA362680052.